The following is an entry in ClinVar:

NM_000443.4(ABCB4):c.526C>T (p.Arg176Trp)

Gene: ABCB4 (ATP binding cassette subfamily B member 4; minus strand). Cytogenetic location: 7q21.12.
Variant type: single nucleotide variant.
Coding change: c.526C>T on transcript NM_000443.4 (MANE Select); coding-DNA position 526, C replaced by T.
Protein change: p.Arg176Trp; replaces arginine 176 with tryptophan.
Molecular consequence: missense variant.
Genome position (GRCh38, 1-based): chr7:87,452,954, G>A on the plus strand (C>T on the coding strand, the complement: ABCB4 is on the minus strand). VCF-style: chr7-87452954-G-A. GRCh37 (hg19) VCF-style: chr7-87082270-G-A.
Other names: p.Arg176Trp; c.526C>T, p.Arg176Trp (NM_018849.3, NM_018850.3); short protein forms R176W.
Identifiers: ClinVar variation 372802 (VCV000372802.37), dbSNP rs754287486, ClinGen allele CA4327523.

ClinVar aggregate classification (germline): Pathogenic/Likely pathogenic. Review status: criteria provided, multiple submitters, no conflicts (2 of 4 stars). 13 submissions from 12 submitters: Pathogenic (8); Likely pathogenic (4). 1 of the submissions does not count toward it. Last evaluated 2026-04-14.

Conditions:
Cholestasis, intrahepatic, of pregnancy, 3. Identifiers: Orphanet 69665, MedGen C3554241, MONDO:0013995, OMIM 614972.
Progressive familial intrahepatic cholestasis type 3. Also called: Low Gamma-GT Familial Intrahepatic Cholestasis; MDR3 DEFICIENCY. Identifiers: Orphanet 79305, MedGen C1865643, MONDO:0011214, OMIM 602347.
Low phospholipid associated cholelithiasis (GBD1). Also called: Gallstone cholecystitis; Gallbladder disease 1. Identifiers: Orphanet 69663, MedGen C2609268, MONDO:0010939, OMIM 600803.
Familial intrahepatic cholestasis. Identifiers: Orphanet 284385, MedGen CN296401, MONDO:0017290.
ABCB4-related disorder. Also called: ABCB4-related disorders; ABCB4-related condition.
Progressive familial intrahepatic cholestasis (PFIC). Also called: Progressive family intrahepatic cholestasis; Progressive intrahepatic cholestasis. Identifiers: MONDO:0015762, Orphanet 172, MedGen C0268312.

Allele frequency attached by ClinVar (database versions not stated): gnomAD exomes below 0.00001 and 0.00001; ExAC 0.00001; gnomAD 0.00002; TOPMed 0.00005.
gnomAD v4.1: 24 of 1,613,628 alleles (0.0015%); highest among the groups gnomAD compares: Middle Eastern, 0.13%; no homozygotes.

Submissions (13):

Genomenon, Inc
Classification: Pathogenic for Familial intrahepatic cholestasis; Low phospholipid associated cholelithiasis. Last evaluated: 2026-04-14. Review status: criteria provided, single submitter. Criteria: Genomenon Sequence Variant Interpretation Standards - Updated. Collection method: curation. Allele origin: germline. Affected: yes.
Comment: ABCB4 p.Arg176Trp (c.526C>T) is a missense variant that changes the amino acid at residue 176 from Arginine to Tryptophan. This variant has been observed in at least one proband with an ABCB4-related disorder (PMID:40769470;33915153;34016879;31625567;28039895;26126923;25755323). The variant was found to segregate with disease in at least one affected family (PMID:33915153;31625567). It is absent or not present at a significant frequency in gnomAD. In silico models predict that this variant is possibly or probably damaging. In conclusion, we classify ABCB4 p.Arg176Trp (c.526C>T) as a pathogenic variant.

Labcorp Genetics (formerly Invitae), Labcorp
Classification: Pathogenic. Last evaluated: 2026-01-13. Review status: criteria provided, single submitter. Criteria: Invitae Variant Classification Sherloc (09022015). Collection method: clinical testing. Allele origin: germline.
Comment: This sequence change replaces arginine, which is basic and polar, with tryptophan, which is neutral and slightly polar, at codon 176 of the ABCB4 protein (p.Arg176Trp). This variant is present in population databases (rs754287486, gnomAD 0.007%). This missense change has been observed in individuals with autosomal recessive progressive familial intrahepatic cholestasis (PMID: 20422496, 28039895, 31130284, 31625567, 33915153, 34016879, 35894240). It has also been observed to segregate with disease in related individuals. ClinVar contains an entry for this variant (Variation ID: 372802). Invitae Evidence Modeling of protein sequence and biophysical properties (such as structural, functional, and spatial information, amino acid conservation, physicochemical variation, residue mobility, and thermodynamic stability) indicates that this missense variant is expected to disrupt ABCB4 protein function with a positive predictive value of 80%. For these reasons, this variant has been classified as Pathogenic.

CeGaT Center for Human Genetics Tuebingen
Classification: Likely pathogenic. Last evaluated: 2024-09-01. Review status: criteria provided, single submitter. Criteria: CeGaT Center For Human Genetics Tuebingen Variant Classification Criteria Version 2. Collection method: clinical testing. Allele origin: germline. Affected: yes. Observed: 1 variant allele.
Comment: ABCB4: PM3:Strong, PM2, PP4

Genomic Medicine Center of Excellence, King Faisal Specialist Hospital and Research Centre
Classification: Pathogenic for Cholestasis, intrahepatic, of pregnancy, 3. Last evaluated: 2024-03-14. Review status: criteria provided, single submitter. Criteria: ACMG Guidelines, 2015. Collection method: research. Allele origin: germline.

Mayo Clinic Laboratories, Mayo Clinic
Classification: Likely pathogenic. Last evaluated: 2023-08-30. Review status: criteria provided, single submitter. Criteria: ACMG Guidelines, 2015. Collection method: clinical testing. Allele origin: germline. Observed: 1 variant allele.
Comment: PP3, PM2_moderate, PM3, PS4_moderate

Genomic Medicine Center of Excellence, King Faisal Specialist Hospital and Research Centre
Classification: Pathogenic for Progressive familial intrahepatic cholestasis type 3. Last evaluated: 2023-05-08. Review status: criteria provided, single submitter. Criteria: ACMG Guidelines, 2015. Collection method: research. Allele origin: germline. Affected: yes.

Blueprint Genetics
Classification: Pathogenic for ABCB4-related disorders. Last evaluated: 2022-08-29. Review status: criteria provided, single submitter. Criteria: ACMG Guidelines, 2015. Collection method: clinical testing. Allele origin: germline. Affected: yes. Observed: 2 variant alleles.

Women's Health and Genetics/Laboratory Corporation of America, LabCorp
Classification: Pathogenic for Progressive familial intrahepatic cholestasis. Last evaluated: 2022-07-20. Review status: criteria provided, single submitter. Criteria: LabCorp Variant Classification Summary - May 2015. Collection method: clinical testing. Allele origin: germline.
Comment: Variant summary: ABCB4 c.526C>T (p.Arg176Trp) results in a non-conservative amino acid change located in the ABC transporter type 1, transmembrane domain (IPR011527) of the encoded protein sequence. Five of five in-silico tools predict a damaging effect of the variant on protein function. The variant allele was found at a frequency of 4e-06 in 251280 control chromosomes (gnomAD). c.526C>T has been reported in the literature in multiple compound heterozygous and homozygous individuals affected with Familial Intrahepatic Cholestasis (Goldschmidt_2016, Shagrani_2017, Sticova_2019, Fakhro_2019, Al-Hussaini_2021). These data indicate that the variant is very likely to be associated with disease. To our knowledge, no experimental evidence demonstrating an impact on protein function has been reported. Three ClinVar submitters (evaluation after 2014) cite the variant as pathogenic (n=2) and likely pathogenic (n=1). Based on the evidence outlined above, the variant was classified as pathogenic.

GeneDx
Classification: Pathogenic. Last evaluated: 2022-03-04. Review status: criteria provided, single submitter. Criteria: GeneDx Variant Classification Process June 2021. Collection method: clinical testing. Allele origin: germline. Affected: yes.
Comment: In silico analysis supports that this missense variant has a deleterious effect on protein structure/function; Not observed at a significant frequency in large population cohorts (gnomAD); This variant is associated with the following publications: (PMID: 20422496, 25755323, 31130284, 28587926, 28039895, 31625567, 31728073, 33915153, 34016879)

Baylor Genetics
Classification: Pathogenic for Cholestasis, intrahepatic, of pregnancy, 3. Last evaluated: 2020-02-21. Review status: criteria provided, single submitter. Criteria: ACMG Guidelines, 2015. Collection method: clinical testing. Allele origin: unknown. Affected: yes.
Comment: This variant was determined to be pathogenic according to ACMG Guidelines, 2015 [PMID:25741868].

Eurofins Ntd Llc (ga)
Classification: Likely pathogenic. Last evaluated: 2018-09-12. Review status: criteria provided, single submitter. Criteria: EGL ClinVar v180209 classification definitions. Collection method: clinical testing. Allele origin: germline. Observed: 4 variant alleles, 2 heterozygotes, 2 homozygotes.

Neuberg Centre For Genomic Medicine, NCGM
Classification: Likely pathogenic for Progressive familial intrahepatic cholestasis type 3. Review status: criteria provided, single submitter. Criteria: ACMG Guidelines, 2015. Collection method: clinical testing. Allele origin: germline. Inheritance: Autosomal recessive inheritance. Affected: yes.
Comment: The missense variant c.526C>T p.Arg176Trp in the ABCB4 gene has been reported previously in multiple compound heterozygous and homozygous individuals affected with Familial Intrahepatic Cholestasis Al-Hussaini et al., 2021; Goldschmidt et al., 2016. This variant is reported with the allele frequency 0.0007% in the gnomAD Exomes and absent in 1000 Genomes. It is submitted to ClinVar as Pathogenic/ Likely Pathogenic. However, functional evidence on its pathogenicity is not available. The amino acid Arginine at position 176 is changed to a Tryptophan changing protein sequence and it might alter its composition and physico-chemical properties. The variant is predicted as damaging by SIFT. The amino acid change p.Arg176Trp in ABCB4 is predicted as conserved by GERP++ and PhyloP across 100 vertebrates. For these reasons, this variant has been classified as Likely Pathogenic.

PreventionGenetics, part of Exact Sciences
Classification: Pathogenic for ABCB4-related condition. Last evaluated: 2024-07-12. Review status: no assertion criteria provided. Collection method: clinical testing. Allele origin: germline. Not counted in ClinVar's aggregate classification.
Comment: The ABCB4 c.526C>T variant is predicted to result in the amino acid substitution p.Arg176Trp. This variant has been reported in the compound heterozygous and homozygous states in patients with features consistent with familial progressive intrahepatic cholestasis (Shneider et al. 2011. PubMed ID: 25755323; Davit-Spraul et al. 2010. PubMed ID: 20422496; Monies et al. 2019. PubMed ID: 31130284; Fakhro et al. 2019. PubMed ID: 31625567; Nayagam et al. 2022. PubMed ID: 35894240; Hertel et al. 2021. PubMed ID: 34016879). Additionally, this variant, in the homozygous state, has been found in two patients of Middle Eastern ancestry who were tested for cholestasis and Alagille syndrome at PreventionGenetics. This variant is reported in 0.0040% of alleles in individuals of African descent in gnomAD. This variant is interpreted as pathogenic. However, to our knowledge, this variant has only been associated with autosomal recessive disease in the literature.

Literature cited by the submitters: PubMed 40769470 (cited by Genomenon, Inc); PubMed 33915153 (cited by 4 submitters); PubMed 34016879 (cited by 3 submitters); PubMed 31625567 (cited by 4 submitters); PubMed 28039895 (cited by 4 submitters); PubMed 26126923 (cited by 3 submitters); PubMed 25755323 (cited by Genomenon, Inc and Mayo Clinic Laboratories, Mayo Clinic); PubMed 20422496 (cited by 3 submitters); PubMed 31130284 (cited by Labcorp Genetics (formerly Invitae), Labcorp and Mayo Clinic Laboratories, Mayo Clinic); PubMed 35894240 (cited by Labcorp Genetics (formerly Invitae), Labcorp and Mayo Clinic Laboratories, Mayo Clinic); PubMed 28587926 (cited by Mayo Clinic Laboratories, Mayo Clinic and Women's Health and Genetics/Laboratory Corporation of America, LabCorp); PubMed 31728073 (cited by Mayo Clinic Laboratories, Mayo Clinic and Women's Health and Genetics/Laboratory Corporation of America, LabCorp).